The following is an entry in ClinVar:

NM_003105.6(SORL1):c.3250C>T (p.Arg1084Cys)

Genes: SORL1 (sortilin related receptor 1; plus strand), LOC130006953 (ATAC-STARR-seq lymphoblastoid active region 5661; plus strand). Cytogenetic location: 11q24.1.
Variant type: single nucleotide variant.
Coding change: c.3250C>T on transcript NM_003105.6 (MANE Select); coding-DNA position 3250, C replaced by T.
Protein change: p.Arg1084Cys; replaces arginine 1084 with cysteine.
Molecular consequence: missense variant.
Genome position (GRCh38, 1-based): chr11:121,570,183, C>T. VCF-style: chr11-121570183-C-T. GRCh37 (hg19) VCF-style: chr11-121440892-C-T.
Other names: short protein forms R1084C.
Identifiers: ClinVar variation 2169565 (VCV002169565.4), dbSNP rs1591331869, ClinGen allele CA383038540.

ClinVar aggregate classification (germline): Uncertain significance (1 of 4 stars; one submission).

Submission:

Labcorp Genetics (formerly Invitae), Labcorp
Classification: Uncertain significance. Last evaluated: 2022-01-21. Review status: criteria provided, single submitter. Criteria: Invitae Variant Classification Sherloc (09022015). Collection method: clinical testing. Allele origin: germline.
Comment: In summary, the available evidence is currently insufficient to determine the role of this variant in disease. Therefore, it has been classified as a Variant of Uncertain Significance. Algorithms developed to predict the effect of missense changes on protein structure and function are either unavailable or do not agree on the potential impact of this missense change (SIFT: "Deleterious"; PolyPhen-2: "Possibly Damaging"; Align-GVGD: "Class C15"). This missense change has been observed in individual(s) with clinical features of SORL1-related conditions (PMID: 30636737). This variant is not present in population databases (gnomAD no frequency). This sequence change replaces arginine, which is basic and polar, with cysteine, which is neutral and slightly polar, at codon 1084 of the SORL1 protein (p.Arg1084Cys).

Literature cited by the submitters: PubMed 30636737.